The following is an entry in ClinVar:

ClinVar aggregate classification (germline): Uncertain significance (1 of 4 stars; one submission).

Conditions:
Developmental and epileptic encephalopathy. Identifiers: MedGen C5779964, MONDO:0100620.

Allele frequency attached by ClinVar (database versions not stated): TOPMed 0.00001.
gnomAD v4.1: 8 of 1,604,388 alleles (0.0005%); highest among the groups gnomAD compares: Middle Eastern, 0.017%; no homozygotes.

Submission:

Labcorp Genetics (formerly Invitae), Labcorp
Classification: Uncertain significance for Early-infantile DEE. Last evaluated: 2023-07-17. Review status: criteria provided, single submitter. Criteria: Invitae Variant Classification Sherloc (09022015). Collection method: clinical testing. Allele origin: germline.
Comment: This sequence change replaces alanine, which is neutral and non-polar, with threonine, which is neutral and polar, at codon 288 of the SLC25A22 protein (p.Ala288Thr). The frequency data for this variant in the population databases is considered unreliable, as metrics indicate poor data quality at this position in the gnomAD database. This variant has not been reported in the literature in individuals affected with SLC25A22-related conditions. Advanced modeling of protein sequence and biophysical properties (such as structural, functional, and spatial information, amino acid conservation, physicochemical variation, residue mobility, and thermodynamic stability) performed at Invitae indicates that this missense variant is not expected to disrupt SLC25A22 protein function. In summary, the available evidence is currently insufficient to determine the role of this variant in disease. Therefore, it has been classified as a Variant of Uncertain Significance.

NM_001191061.2(SLC25A22):c.862G>A (p.Ala288Thr)

Gene: SLC25A22 (solute carrier family 25 member 22; minus strand). Cytogenetic location: 11p15.5.
Variant type: single nucleotide variant.
Coding change: c.862G>A on transcript NM_001191061.2 (MANE Select); coding-DNA position 862, G replaced by A.
Protein change: p.Ala288Thr; replaces alanine 288 with threonine.
Molecular consequence: missense variant.
Genome position (GRCh38, 1-based): chr11:792,025, C>T on the plus strand (G>A on the coding strand, the complement: SLC25A22 is on the minus strand). VCF-style: chr11-792025-C-T. GRCh37 (hg19) VCF-style: chr11-792025-C-T.
Other names: c.862G>A, p.Ala288Thr (NM_001191060.2, NM_001425337.1, NM_001425338.1 and 2 more transcripts); c.937G>A, p.Ala313Thr (NM_001425334.1); c.901G>A, p.Ala301Thr (NM_001425335.1); c.877G>A, p.Ala293Thr (NM_001425336.1); c.859G>A, p.Ala287Thr (NM_001425340.1); c.850G>A, p.Ala284Thr (NM_001425341.1); c.*6G>A (NM_001425342.1); c.*42G>A (NM_001425343.1); and 1 more; short protein forms A288T, A284T, A293T, A301T, A182T, A287T, A313T.
Identifiers: ClinVar variation 2730143 (VCV002730143.2), dbSNP rs767700596, ClinGen allele CA378966982.
Genomic context (GRCh38, chr11:792,025, plus strand): 5'-GGAAGTAGACCACCTGTGCGATGCCGAAAAGGGGCGCGATGACCAGCGCGCGGCAGTAGG[C>T]GCCCTTCAGGAAGGCCGAGGGGCCCTCGTGCCGCAGGATCTTCCTGTGGAGGAAGGACGA-3'
Protein context (NP_001177990.1, residues 278-298): HEGPSAFLKG[Ala288Thr]YCRALVIAPL